The following is an entry in ClinVar:

ClinVar aggregate classification (germline): Uncertain significance. Review status: criteria provided, multiple submitters, no conflicts (2 of 4 stars). 2 submissions from 2 submitters: Uncertain significance (2). Last evaluated 2025-08-27.

Conditions:
Inborn genetic diseases. Identifiers: MedGen C0950123, MeSH D030342.

Allele frequency attached by ClinVar (database versions not stated): gnomAD exomes below 0.00001; TOPMed 0.00001.
gnomAD v4.1: 6 of 1,602,004 alleles (0.00037%); highest among the groups gnomAD compares: Non-Finnish European, 0.00051%; no homozygotes.

Submissions (2):

Ambry Genetics
Classification: Uncertain significance for Inborn genetic diseases. Last evaluated: 2025-08-27. Review status: criteria provided, single submitter. Criteria: Ambry Variant Classification Scheme 2023. Collection method: clinical testing. Allele origin: germline.

Labcorp Genetics (formerly Invitae), Labcorp
Classification: Uncertain significance. Last evaluated: 2021-12-17. Review status: criteria provided, single submitter. Criteria: Invitae Variant Classification Sherloc (09022015). Collection method: clinical testing. Allele origin: germline.
Comment: This variant is present in population databases (no rsID available, gnomAD 0.0009%). In summary, the available evidence is currently insufficient to determine the role of this variant in disease. Therefore, it has been classified as a Variant of Uncertain Significance. Algorithms developed to predict the effect of sequence changes on RNA splicing suggest that this variant may create or strengthen a splice site. Algorithms developed to predict the effect of missense changes on protein structure and function are either unavailable or do not agree on the potential impact of this missense change (SIFT: "Deleterious"; PolyPhen-2: "Probably Damaging"; Align-GVGD: "Class C15"). This variant has not been reported in the literature in individuals affected with OTOGL-related conditions. This sequence change replaces cysteine, which is neutral and slightly polar, with tryptophan, which is neutral and slightly polar, at codon 456 of the OTOGL protein (p.Cys456Trp).

NM_001378609.3(OTOGL):c.1395T>G (p.Cys465Trp)

Gene: OTOGL (otogelin like; plus strand). Cytogenetic location: 12q21.31.
Variant type: single nucleotide variant.
Coding change: c.1395T>G on transcript NM_001378609.3 (MANE Select); coding-DNA position 1395, T replaced by G.
Protein change: p.Cys465Trp; replaces cysteine 465 with tryptophan.
Molecular consequence: missense variant.
Genome position (GRCh38, 1-based): chr12:80,254,524, T>G. VCF-style: chr12-80254524-T-G. GRCh37 (hg19) VCF-style: chr12-80648304-T-G.
Other names: c.1395T>G, p.Cys465Trp (NM_001368062.3, NM_001378610.3, NM_173591.7); c.1368T>G (NM_173591.3); short protein forms C465W.
Identifiers: ClinVar variation 1896732 (VCV001896732.6), dbSNP rs980803564, ClinGen allele CA240197087.